The following is an entry in ClinVar:

ClinVar aggregate classification (germline): Benign. Review status: criteria provided, multiple submitters, no conflicts (2 of 4 stars). 6 submissions from 6 submitters: Benign (6). Last evaluated 2026-04-01.

Conditions:
Hyaline fibromatosis syndrome (HFS). Also called: Hyalinosis, Inherited Systemic; HYALINOSIS, SYSTEMIC. Identifiers: Orphanet 2028, Orphanet 498474, MedGen C5574677, MONDO:0009229, OMIM 228600.
Central core myopathy (CMYO1A). Also called: CONGENITAL MYOPATHY 1A, AUTOSOMAL DOMINANT, WITH SUSCEPTIBILITY TO MALIGNANT HYPERTHERMIA; Central core disease; Myopathy, central fibrillar. Identifiers: Orphanet 597, MedGen C5830701, MONDO:0007294, OMIM 117000.

Allele frequency attached by ClinVar (database versions not stated): 1000 Genomes Project 30x 0.00921; 1000 Genomes Project 0.00958; gnomAD 0.01378 and 0.01410; TOPMed 0.01384; gnomAD exomes 0.01567; ESP Exome Variant Server 0.01613; ExAC 0.02235.
gnomAD v4.1: 28,304 of 1,588,200 alleles (1.8%); highest among the groups gnomAD compares: Middle Eastern, 5.4%; 351 homozygotes.

Submissions (6):

CeGaT Center for Human Genetics Tuebingen
Classification: Benign. Last evaluated: 2026-04-01. Review status: criteria provided, single submitter. Criteria: CeGaT Center For Human Genetics Tuebingen Variant Classification Criteria Version 2. Collection method: clinical testing. Allele origin: germline. Affected: yes. Observed: 9 variant alleles.
Comment: ANTXR2: BP4, BS1, BS2

Labcorp Genetics (formerly Invitae), Labcorp
Classification: Benign. Last evaluated: 2026-02-04. Review status: criteria provided, single submitter. Criteria: Invitae Variant Classification Sherloc (09022015). Collection method: clinical testing. Allele origin: germline.

GeneDx
Classification: Benign. Last evaluated: 2020-12-17. Review status: criteria provided, single submitter. Criteria: GeneDx Variant Classification Process June 2021. Collection method: clinical testing. Allele origin: germline. Affected: yes.
Comment: This variant is associated with the following publications: (PMID: 27884173, 27535533, 22300424, 14508707)

Illumina Laboratory Services, Illumina
Classification: Benign for Hyaline fibromatosis syndrome. Last evaluated: 2018-01-13. Review status: criteria provided, single submitter. Criteria: ICSL Variant Classification Criteria 13 December 2019. Collection method: clinical testing. Allele origin: germline.
Comment: This variant was observed in the ICSL laboratory as part of a predisposition screen in an ostensibly healthy population. It had not been previously curated by ICSL or reported in the Human Gene Mutation Database (HGMD: prior to June 1st, 2018), and was therefore a candidate for classification through an automated scoring system. Utilizing variant allele frequency, disease prevalence and penetrance estimates, and inheritance mode, an automated score was calculated to assess if this variant is too frequent to cause the disease. Based on the score and internal cut-off values, a variant classified as benign is not then subjected to further curation. The score for this variant resulted in a classification of benign for this disease.

Breakthrough Genomics
Classification: Benign. Review status: criteria provided, single submitter. Criteria: ACMG Guidelines, 2015. Collection method: not provided. Allele origin: germline. Inheritance: Autosomal recessive inheritance. Affected: yes.

Broad Center for Mendelian Genomics, Broad Institute of MIT and Harvard
Classification: Benign for Central core myopathy. Review status: criteria provided, single submitter. Criteria: ACMG Guidelines, 2015. Collection method: research. Allele origin: germline. Inheritance: Autosomal recessive inheritance. Affected: yes.
Comment: The homozygous c.225-4G>A variant in ANTXR2 has been identified in an individual with hyaline fibromatosis syndrome (PMID: 22300424), but has also been identified in >3% of European (non-Finnish) chromosomes and 12 total homozygotes by ExAC. In summary, this variant meets criteria to be classified as benign for autosomal recessive hyaline fibromatosis syndrome.

NM_058172.6(ANTXR2):c.225-4G>A

Gene: ANTXR2 (ANTXR cell adhesion molecule 2; minus strand). Cytogenetic location: 4q21.21.
Variant type: single nucleotide variant.
Coding change: c.225-4G>A on transcript NM_058172.6 (MANE Select); 4 bases into the intron before coding-DNA position 225, G replaced by A.
Molecular consequence: intron variant.
Genome position (GRCh38, 1-based): chr4:80,069,511, C>T on the plus strand (G>A on the coding strand, the complement: ANTXR2 is on the minus strand). VCF-style: chr4-80069511-C-T. GRCh37 (hg19) VCF-style: chr4-80990665-C-T.
Other names: c.-7-4G>A (NM_001286780.2, NM_001286781.2); c.225-4G>A (NM_001145794.2).
Identifiers: ClinVar variation 349887 (VCV000349887.32), dbSNP rs141355689, ClinGen allele CA2982004.